The following is an entry in ClinVar:

ClinVar aggregate classification (germline): Conflicting classifications of pathogenicity. Review status: criteria provided, conflicting classifications (1 of 4 stars). 8 submissions from 7 submitters: Uncertain significance (4); Benign (1); Likely benign (3). Last evaluated 2026-01-29.

Conditions:
Inborn genetic diseases. Identifiers: MedGen C0950123, MeSH D030342.
PDE6B-related disorder. Also called: PDE6B-related disorders; PDE6B-related disease; PDE6B-related condition.
Retinitis pigmentosa (RP). Identifiers: Orphanet 791, MedGen C0035334, MeSH D012174, MONDO:0019200, OMIM 268000. Inheritance: Autosomal dominant, autosomal recessive and X linked inheritance.
Congenital stationary night blindness autosomal dominant 2. Also called: NIGHT BLINDNESS, CONGENITAL STATIONARY, RAMBUSCH TYPE. Identifiers: Orphanet 215, MedGen C1876182, MONDO:0008099, OMIM 163500.

Allele frequency attached by ClinVar (database versions not stated): ExAC 0.00012; gnomAD 0.00016 and 0.00018; gnomAD exomes 0.00019 and 0.00025; TOPMed 0.00021; ESP Exome Variant Server 0.00031.
gnomAD v4.1: 387 of 1,612,858 alleles (0.024%); highest among the groups gnomAD compares: Non-Finnish European, 0.024%; no homozygotes.

Submissions (8):

Labcorp Genetics (formerly Invitae), Labcorp
Classification: Likely benign. Last evaluated: 2026-01-29. Review status: criteria provided, single submitter. Criteria: Invitae Variant Classification Sherloc (09022015). Collection method: clinical testing. Allele origin: germline.

PreventionGenetics, part of Exact Sciences
Classification: Likely benign for PDE6B-related condition. Last evaluated: 2024-12-16. Review status: criteria provided, single submitter. Criteria: ACMG Guidelines, 2015. Collection method: clinical testing. Allele origin: germline.
Comment: This variant is classified as likely benign based on ACMG/AMP sequence variant interpretation guidelines (Richards et al. 2015 PMID: 25741868, with internal and published modifications).

Blueprint Genetics
Classification: Likely benign. Last evaluated: 2024-11-04. Review status: criteria provided, single submitter. Criteria: ACMG Guidelines, 2015. Collection method: clinical testing. Allele origin: germline.

Revvity Omics, Revvity
Classification: Uncertain significance. Last evaluated: 2023-10-24. Review status: criteria provided, single submitter. Criteria: ACMG Guidelines, 2015. Collection method: clinical testing. Allele origin: germline.

Ambry Genetics
Classification: Uncertain significance for Inborn genetic diseases. Last evaluated: 2022-10-04. Review status: criteria provided, single submitter. Criteria: Ambry Variant Classification Scheme 2023. Collection method: clinical testing. Allele origin: germline.

Illumina Laboratory Services, Illumina
Classification: Benign for Congenital stationary night blindness autosomal dominant 2. Last evaluated: 2018-01-12. Review status: criteria provided, single submitter. Criteria: ICSL Variant Classification Criteria 13 December 2019. Collection method: clinical testing. Allele origin: germline.
Comment: This variant was observed in the ICSL laboratory as part of a predisposition screen in an ostensibly healthy population. It had not been previously curated by ICSL or reported in the Human Gene Mutation Database (HGMD: prior to June 1st, 2018), and was therefore a candidate for classification through an automated scoring system. Utilizing variant allele frequency, disease prevalence and penetrance estimates, and inheritance mode, an automated score was calculated to assess if this variant is too frequent to cause the disease. Based on the score and internal cut-off values, a variant classified as benign is not then subjected to further curation. The score for this variant resulted in a classification of benign for this disease.

Illumina Laboratory Services, Illumina
Classification: Uncertain significance for Retinitis pigmentosa. Last evaluated: 2018-01-12. Review status: criteria provided, single submitter. Criteria: ICSL Variant Classification Criteria 13 December 2019. Collection method: clinical testing. Allele origin: germline.

Eurofins Ntd Llc (ga)
Classification: Uncertain significance. Last evaluated: 2016-12-01. Review status: criteria provided, single submitter. Criteria: EGL Classification Definitions 2015. Collection method: clinical testing. Allele origin: germline. Observed: 1 variant allele, 1 heterozygote.

NM_000283.4(PDE6B):c.2548A>G (p.Thr850Ala)

Gene: PDE6B (phosphodiesterase 6B; plus strand). Cytogenetic location: 4p16.3.
Variant type: single nucleotide variant.
Coding change: c.2548A>G on transcript NM_000283.4 (MANE Select); coding-DNA position 2548, A replaced by G.
Protein change: p.Thr850Ala; replaces threonine 850 with alanine.
Molecular consequence: missense variant.
Genome position (GRCh38, 1-based): chr4:670,090, A>G. VCF-style: chr4-670090-A-G. GRCh37 (hg19) VCF-style: chr4-663879-A-G.
Other names: c.2545A>G, p.Thr849Ala (NM_001145291.2); c.1711A>G, p.Thr571Ala (NM_001145292.2, NM_001379246.1, NM_001379247.1); c.1646A>G, p.Asn549Ser (NM_001350154.3); c.1328A>G, p.Asn443Ser (NM_001350155.3); short protein forms T850A, N443S, N549S, T571A, T849A.
Identifiers: ClinVar variation 349399 (VCV000349399.23), dbSNP rs141647790, ClinGen allele CA2795114.